The following is an entry in ClinVar:

ClinVar aggregate classification (germline): Uncertain significance (1 of 4 stars; one submission).

Submission:

Labcorp Genetics (formerly Invitae), Labcorp
Classification: Uncertain significance. Last evaluated: 2024-02-23. Review status: criteria provided, single submitter. Criteria: Invitae Variant Classification Sherloc (09022015). Collection method: clinical testing. Allele origin: germline.
Comment: This variant, c.4249_4251del, results in the deletion of 1 amino acid(s) of the GPR179 protein (p.Glu1417del), but otherwise preserves the integrity of the reading frame. This variant is present in population databases (rs755323165, gnomAD 0.01%). This variant has not been reported in the literature in individuals affected with GPR179-related conditions. ClinVar contains an entry for this variant (Variation ID: 1429135). Experimental studies and prediction algorithms are not available or were not evaluated, and the functional significance of this variant is currently unknown. In summary, the available evidence is currently insufficient to determine the role of this variant in disease. Therefore, it has been classified as a Variant of Uncertain Significance.

NM_001004334.4(GPR179):c.4249_4251del (p.Glu1417del)

Gene: GPR179 (G protein-coupled receptor 179; minus strand). Cytogenetic location: 17q12.
Variant type: Deletion.
Coding change: c.4249_4251del on transcript NM_001004334.4 (MANE Select); coding-DNA positions 4249 to 4251, 3 bases deleted (GAA; older notation c.4249_4251delGAA).
Protein change: p.Glu1417del; deletes glutamic acid 1417.
Molecular consequence: inframe deletion.
Genome position (GRCh38, 1-based): chr17:38,329,318-38,329,320, TTC deleted on the plus strand (GAA on the coding strand, the reverse complement: GPR179 is on the minus strand); deleting any 3 consecutive bases within chr17:38,329,318-38,329,322 gives the same sequence; the c. name uses the placement nearest the transcript's 3' end. VCF-style (leftmost placement, unchanged base first): chr17-38329317-GTTC-G. GRCh37 (hg19) VCF-style: chr17-36485200-GTTC-G.
Other names: short protein forms E1417del.
Identifiers: ClinVar variation 1429135 (VCV001429135.8), dbSNP rs755323165, ClinGen allele CA290104306.
Genomic context (GRCh38, chr17:38,329,317, plus strand): 5'-GGCCCCGGAAATCTGTACTCTCCCATGGACAAAGAGACTCCAAGTCTCCTCCCGGTTTCT[GTTC>G]TTTCCAAAAGGTTGCTTTCCTGGTTTTCTGCTTTTCCTGAGGGAGATCCTTCACTGCCTC-3'